The following is an entry in ClinVar:

ClinVar aggregate classification (germline): Uncertain significance (1 of 4 stars; one submission).

Submission:

Ambry Genetics
Classification: Uncertain significance. Last evaluated: 2024-12-22. Review status: criteria provided, single submitter. Criteria: Ambry Variant Classification Scheme 2023. Collection method: clinical testing. Allele origin: germline.
Comment: The p.L706R variant (also known as c.2117T>G), located in coding exon 8 of the RNF43 gene, results from a T to G substitution at nucleotide position 2117. The leucine at codon 706 is replaced by arginine, an amino acid with dissimilar properties. This amino acid position is conserved. In addition, this alteration is predicted to be tolerated by in silico analysis. Based on the available evidence, the clinical significance of this variant remains unclear.

NM_017763.6(RNF43):c.2117T>G (p.Leu706Arg)

Gene: RNF43 (ring finger protein 43; minus strand). Cytogenetic location: 17q22.
Variant type: single nucleotide variant.
Coding change: c.2117T>G on transcript NM_017763.6 (MANE Select); coding-DNA position 2117, T replaced by G.
Protein change: p.Leu706Arg; replaces leucine 706 with arginine.
Molecular consequence: missense variant.
Genome position (GRCh38, 1-based): chr17:58,357,659, A>C on the plus strand (T>G on the coding strand, the complement: RNF43 is on the minus strand). VCF-style: chr17-58357659-A-C. GRCh37 (hg19) VCF-style: chr17-56435020-A-C.
Other names: c.2117T>G, p.Leu706Arg (NM_001305544.3); c.1736T>G, p.Leu579Arg (NM_001305545.2); short protein forms L706R, L579R.
Identifiers: ClinVar variation 3789863 (VCV003789863.1).